The following is an entry in ClinVar:

ClinVar aggregate classification (germline): Uncertain significance. Review status: criteria provided, multiple submitters, no conflicts (2 of 4 stars). 2 submissions from 2 submitters: Uncertain significance (2). Last evaluated 2024-11-22.

Conditions:
Inborn genetic diseases. Identifiers: MedGen C0950123, MeSH D030342.

Allele frequency attached by ClinVar (database versions not stated): gnomAD exomes below 0.00001; TOPMed below 0.00001; gnomAD 0.00001.
gnomAD v4.1: 8 of 1,614,010 alleles (0.0005%); highest among the groups gnomAD compares: Non-Finnish European, 0.00068%; no homozygotes.

Submissions (2):

GeneDx
Classification: Uncertain significance. Last evaluated: 2024-11-22. Review status: criteria provided, single submitter. Criteria: GeneDx Variant Classification Process June 2021. Collection method: clinical testing. Allele origin: germline. Affected: yes.
Comment: Not observed at significant frequency in large population cohorts (gnomAD); In silico analysis indicates that this missense variant does not alter protein structure/function; Has not been previously published as pathogenic or benign to our knowledge

Ambry Genetics
Classification: Uncertain significance for Inborn genetic diseases. Last evaluated: 2023-11-09. Review status: criteria provided, single submitter. Criteria: Ambry Variant Classification Scheme 2023. Collection method: clinical testing. Allele origin: germline.

NM_006734.4(HIVEP2):c.2986A>G (p.Lys996Glu)

Gene: HIVEP2 (HIVEP zinc finger 2; minus strand). Cytogenetic location: 6q24.2.
Variant type: single nucleotide variant.
Coding change: c.2986A>G on transcript NM_006734.4 (MANE Select); coding-DNA position 2986, A replaced by G.
Protein change: p.Lys996Glu; replaces lysine 996 with glutamic acid.
Molecular consequence: missense variant.
Genome position (GRCh38, 1-based): chr6:142,771,753, T>C on the plus strand (A>G on the coding strand, the complement: HIVEP2 is on the minus strand). VCF-style: chr6-142771753-T-C. GRCh37 (hg19) VCF-style: chr6-143092890-T-C.
Other names: short protein forms K996E.
Identifiers: ClinVar variation 2506868 (VCV002506868.3), dbSNP rs1427522004, ClinGen allele CA365907652.